The following is an entry in ClinVar:

ClinVar aggregate classification (germline): Likely pathogenic (1 of 4 stars; one submission).

Conditions:
Developmental and epileptic encephalopathy, 54. Also called: Epileptic encephalopathy, early infantile, 54; HNRNPU-Related Neurodevelopmental Disorder. Identifiers: MedGen C4479319, MONDO:0033363, OMIM 617391.

Submission:

Diagnostics Services (NGS), CSIR - Centre For Cellular And Molecular Biology
Classification: Likely pathogenic for Developmental and epileptic encephalopathy, 54. Last evaluated: 2026-05-20. Review status: criteria provided, single submitter. Criteria: ACMG Guidelines, 2015. Collection method: clinical testing. Allele origin: germline. Affected: yes. Observed: 1 variant allele, 1 heterozygote.
Comment: The c.540dup variant is not present in publicly available population databases like 1000 Genomes, EVS, gnomAD, Indian Exome Database or in our internal database. This variant has neither been published in the literature for HNRNPU-related conditions nor reported to clinical databases like Human Genome Mutation database (HGMD), OMIM, or ClinVar in any affected individuals. In-silico pathogenicity prediction programs like MutationTaster2, CADD, Franklin, Varsome etc predicted this variant to be likely deleterious. This variant causes a frameshift at the 181st amino acid position of the wild-type transcript which creates a premature translational stop signal at 33 amino acids downstream of the altered reading frame, which may either result in translation of a truncated protein or cause nonsense-mediated decay of the mRNA.

NM_031844.3(HNRNPU):c.540dup (p.Lys181fs)

Gene: HNRNPU (heterogeneous nuclear ribonucleoprotein U; minus strand). Cytogenetic location: 1q44.
Variant type: Duplication.
Coding change: c.540dup on transcript NM_031844.3 (MANE Select); coding-DNA position 540, one base duplicated (C; older notation c.540dupC).
Protein change: p.Lys181fs; shifts the reading frame from lysine 181.
Molecular consequence: frameshift variant.
Genome position (GRCh38, 1-based): chr1:244,863,768, G duplicated on the plus strand (C on the coding strand, the reverse complement: HNRNPU is on the minus strand); the first of 2 consecutive G bases (chr1:244,863,768-244,863,769); duplicating either gives the same sequence. VCF-style (leftmost placement, unchanged base first): chr1-244863767-T-TG. GRCh37 (hg19) VCF-style: chr1-245027069-T-TG.
Other names: c.540dup, p.Lys181fs (NM_004501.3); short protein forms K181fs.
Identifiers: ClinVar variation 4852774 (VCV004852774.1).